The following is an entry in ClinVar:

NM_005220.3(DLX3):c.34A>G (p.Ile12Val)

Gene: DLX3 (distal-less homeobox 3; minus strand). Cytogenetic location: 17q21.33.
Variant type: single nucleotide variant.
Coding change: c.34A>G on transcript NM_005220.3 (MANE Select); coding-DNA position 34, A replaced by G.
Protein change: p.Ile12Val; replaces isoleucine 12 with valine.
Molecular consequence: missense variant.
Genome position (GRCh38, 1-based): chr17:49,994,965, T>C on the plus strand (A>G on the coding strand, the complement: DLX3 is on the minus strand). VCF-style: chr17-49994965-T-C. GRCh37 (hg19) VCF-style: chr17-48072329-T-C.
Other names: short protein forms I12V.
Identifiers: ClinVar variation 1506994 (VCV001506994.6), dbSNP rs2144187709, ClinGen allele CA400179558.

ClinVar aggregate classification (germline): Uncertain significance (1 of 4 stars; one submission).

Submission:

Labcorp Genetics (formerly Invitae), Labcorp
Classification: Uncertain significance. Last evaluated: 2023-10-03. Review status: criteria provided, single submitter. Criteria: Invitae Variant Classification Sherloc (09022015). Collection method: clinical testing. Allele origin: germline.
Comment: This sequence change replaces isoleucine, which is neutral and non-polar, with valine, which is neutral and non-polar, at codon 12 of the DLX3 protein (p.Ile12Val). This variant is not present in population databases (gnomAD no frequency). This variant has not been reported in the literature in individuals affected with DLX3-related conditions. ClinVar contains an entry for this variant (Variation ID: 1506994). An algorithm developed to predict the effect of missense changes on protein structure and function (PolyPhen-2) suggests that this variant is likely to be tolerated. In summary, the available evidence is currently insufficient to determine the role of this variant in disease. Therefore, it has been classified as a Variant of Uncertain Significance.